The following is an entry in ClinVar:

ClinVar aggregate classification (germline): Uncertain significance (1 of 4 stars; one submission).

Submission:

Women's Health and Genetics/Laboratory Corporation of America, LabCorp
Classification: Uncertain significance. Last evaluated: 2026-01-06. Review status: criteria provided, single submitter. Criteria: LabCorp Variant Classification Summary - May 2015. Collection method: clinical testing. Allele origin: germline.
Comment: Variant summary: ANK3 c.7045G>C (p.Glu2349Gln) results in a conservative amino acid change in the encoded protein sequence. Algorithms developed to predict the effect of missense changes on protein structure and function are either unavailable or do not agree on the potential impact of this missense change. The variant was absent in 251048 control chromosomes. The available data on variant occurrences in the general population are insufficient to allow any conclusion about variant significance. To our knowledge, no occurrence of c.7045G>C in individuals affected with ANK3-related conditions and no experimental evidence demonstrating its impact on protein function have been reported. No submitters have cited clinical-significance assessments for this variant to ClinVar. Based on the evidence outlined above, the variant was classified as uncertain significance.

NM_020987.5(ANK3):c.7045G>C (p.Glu2349Gln)

Gene: ANK3 (ankyrin 3; minus strand). Cytogenetic location: 10q21.2.
Variant type: single nucleotide variant.
Coding change: c.7045G>C on transcript NM_020987.5 (MANE Select); coding-DNA position 7045, G replaced by C.
Protein change: p.Glu2349Gln; replaces glutamic acid 2349 with glutamine.
Molecular consequence: missense variant. On other transcripts: intron variant (4).
Genome position (GRCh38, 1-based): chr10:60,073,836, C>G on the plus strand (G>C on the coding strand, the complement: ANK3 is on the minus strand). VCF-style: chr10-60073836-C-G. GRCh37 (hg19) VCF-style: chr10-61833594-C-G.
Other names: c.4388-5827G>C (NM_001204403.2); c.4409-5827G>C (NM_001204404.2); c.4406-5827G>C (NM_001320874.2); c.1808-5827G>C (NM_001149.4); short protein forms E2349Q.
Identifiers: ClinVar variation 4689614 (VCV004689614.1).
Genomic context (GRCh38, chr10:60,073,836, plus strand): 5'-CTCCCCGGGATAAGTCTTTCTGATATACATACATTTCTTTTTCTGGATGCTTTTTGGTTT[C>G]TCTAATAATGACTTCAGTGGGCTCAGCTTGGTTACCTTTTTCGATGTGGACTTCTATTAT-3'
Protein context (NP_066267.2, residues 2339-2359): QAEPTEVIIR[Glu2349Gln]TKKHPEKEMY